The following is an entry in ClinVar:

NM_002103.5(GYS1):c.3G>T (p.Met1Ile)

Gene: GYS1 (glycogen synthase 1; minus strand). Cytogenetic location: 19q13.33.
Variant type: single nucleotide variant.
Coding change: c.3G>T on transcript NM_002103.5 (MANE Select); coding-DNA position 3, G replaced by T.
Protein change: p.Met1Ile; changes the start codon (methionine 1).
Molecular consequence: missense variant, initiator codon variant. On other transcripts: non-coding transcript variant (1).
Genome position (GRCh38, 1-based): chr19:48,993,110, C>A on the plus strand (G>T on the coding strand, the complement: GYS1 is on the minus strand). VCF-style: chr19-48993110-C-A. GRCh37 (hg19) VCF-style: chr19-49496367-C-A.
Other names: c.3G>T, p.Met1Ile (NM_001161587.2); short protein forms M1I.
Identifiers: ClinVar variation 1039847 (VCV001039847.3), dbSNP rs758161697, ClinGen allele CA9563477.

ClinVar aggregate classification (germline): Uncertain significance (1 of 4 stars; one submission).

Conditions:
Glycogen storage disease due to muscle and heart glycogen synthase deficiency. Also called: GSD 0b; MUSCLE GLYCOGEN SYNTHASE DEFICIENCY. Identifiers: Orphanet 137625, MedGen C1969054, MONDO:0012693, OMIM 611556.

Submission:

Labcorp Genetics (formerly Invitae), Labcorp
Classification: Uncertain significance for Glycogen storage disease due to muscle and heart glycogen synthase deficiency. Last evaluated: 2021-08-24. Review status: criteria provided, single submitter. Criteria: Invitae Variant Classification Sherloc (09022015). Collection method: clinical testing. Allele origin: germline.
Comment: This sequence change affects the initiator methionine of the GYS1 mRNA. The next in-frame methionine is located at codon 9. This variant is present in population databases (rs758161697, ExAC 0.002%). This variant has not been reported in the literature in individuals affected with GYS1-related conditions. In summary, the available evidence is currently insufficient to determine the role of this variant in disease. Therefore, it has been classified as a Variant of Uncertain Significance.